The following is an entry in ClinVar:

NM_006000.3(TUBA4A):c.38G>A (p.Gly13Asp)

Gene: TUBA4A (tubulin alpha 4a; minus strand). Cytogenetic location: 2q35.
Variant type: single nucleotide variant.
Coding change: c.38G>A on transcript NM_006000.3 (MANE Select); coding-DNA position 38, G replaced by A.
Protein change: p.Gly13Asp; replaces glycine 13 with aspartic acid.
Molecular consequence: missense variant. On other transcripts: 5 prime UTR variant (1).
Genome position (GRCh38, 1-based): chr2:219,252,196, C>T on the plus strand (G>A on the coding strand, the complement: TUBA4A is on the minus strand). VCF-style: chr2-219252196-C-T. GRCh37 (hg19) VCF-style: chr2-220116918-C-T.
Other names: c.-8G>A (NM_001278552.2); short protein forms G13D.
Identifiers: ClinVar variation 5006220 (VCV005006220.2).
Genomic context (GRCh38, chr2:219,252,196, plus strand): 5'-TCAGGCTGAATCCCATGTTCCAAGCAATAGAGCTCCCAGCAGGCATTGCCCATCTGGACA[C>T]CTGCCTGCCCCACGTGGACTGAGATGCATTCACGCTGAGGGATAGAGAGAGGGGACACAG-3'
Protein context (NP_005991.1, residues 3-23): ECISVHVGQA[Gly13Asp]VQMGNACWEL

ClinVar aggregate classification (germline): Uncertain significance (1 of 4 stars; one submission).

Conditions:
Congenital myopathy 26. Identifiers: MedGen C6012732, MONDO:0979229, OMIM 621225.
Spastic ataxia 11, autosomal dominant. Identifiers: MedGen C6012733, MONDO:0979230, OMIM 621226.
Oocyte/zygote/embryo maturation arrest 23. Identifiers: MedGen C6012734, MONDO:0979231, OMIM 621231.
Amyotrophic lateral sclerosis type 22 (FTDALS9). Also called: FRONTOTEMPORAL DEMENTIA AND/OR AMYOTROPHIC LATERAL SCLEROSIS 9; Amyotrophic lateral sclerosis 22 with or without frontotemporal dementia. Identifiers: Orphanet 803, MedGen C4015512, MONDO:0014531, OMIM 616208.

Submission:

Juno Genomics, Hangzhou Juno Genomics, Inc
Classification: Uncertain significance for Spastic ataxia 11, autosomal dominant; Congenital myopathy 26; Amyotrophic lateral sclerosis type 22; Oocyte/zygote/embryo maturation arrest 23. Review status: criteria provided, single submitter. Criteria: ACMG Guidelines, 2015. Collection method: clinical testing. Allele origin: germline.
Comment: Absent from controls (or at extremely low frequency if recessive) in Genome Aggregation Database.;Missense variant in a gene that has a low rate of benign missense variation.;Multiple lines of computational evidence support a deleterious effect on the gene or gene product.